The following is an entry in ClinVar:

NM_006147.4(IRF6):c.473C>A (p.Pro158His)

Gene: IRF6 (interferon regulatory factor 6; minus strand). Cytogenetic location: 1q32.2.
Variant type: single nucleotide variant.
Coding change: c.473C>A on transcript NM_006147.4 (MANE Select); coding-DNA position 473, C replaced by A.
Protein change: p.Pro158His; replaces proline 158 with histidine.
Molecular consequence: missense variant.
Genome position (GRCh38, 1-based): chr1:209,795,325, G>T on the plus strand (C>A on the coding strand, the complement: IRF6 is on the minus strand). VCF-style: chr1-209795325-G-T. GRCh37 (hg19) VCF-style: chr1-209968670-G-T.
Other names: c.188C>A, p.Pro63His (NM_001206696.2); short protein forms P158H, P63H.
Identifiers: ClinVar variation 4994065 (VCV004994065.1).

ClinVar aggregate classification (germline): Uncertain significance (1 of 4 stars; one submission).

Conditions:
IRF6-related condition. Also called: IRF6-Related Disorders; IRF6-related disorder. Identifiers: MedGen CN378148, MONDO:1040010.

Submission:

PreventionGenetics, part of Exact Sciences
Classification: Uncertain significance for IRF6-related condition. Last evaluated: 2026-06-09. Review status: criteria provided, single submitter. Criteria: ACMG Guidelines, 2015. Collection method: clinical testing. Allele origin: germline.
Comment: The IRF6 c.473C>A variant is predicted to result in the amino acid substitution p.Pro158His. To our knowledge, this variant has not been reported in the literature. This variant is reported in 0.016% of alleles in individuals of South Asian descent in gnomAD. At this time, the clinical significance of this variant is uncertain due to the absence of conclusive functional and genetic evidence.